The following is an entry in ClinVar:

NM_000439.5(PCSK1):c.2062T>C (p.Ser688Pro)

Genes: CAST (calpastatin; plus strand), PCSK1 (proprotein convertase subtilisin/kexin type 1; minus strand), LOC101929710 (uncharacterized LOC101929710; plus strand). Cytogenetic location: 5q15.
Variant type: single nucleotide variant.
Coding change: c.2062T>C on transcript NM_000439.5 (MANE Select); coding-DNA position 2062, T replaced by C.
Protein change: p.Ser688Pro; replaces serine 688 with proline.
Molecular consequence: missense variant. On other transcripts: intron variant (11).
Genome position (GRCh38, 1-based): chr5:96,393,201, A>G on the plus strand (T>C on the coding strand, the complement: PCSK1 is on the minus strand). VCF-style: chr5-96393201-A-G. GRCh37 (hg19) VCF-style: chr5-95728905-A-G.
Other names: c.1921T>C, p.Ser641Pro (NM_001177875.2); c.-175+13549A>G (NM_001423254.1, NM_001423259.1, NM_001423255.1 and 6 more transcripts); c.-103+13549A>G (NM_001423253.1); c.-40+13549A>G (NM_001423258.1); short protein forms S688P, S641P.
Identifiers: ClinVar variation 4994629 (VCV004994629.1).

ClinVar aggregate classification (germline): Uncertain significance (1 of 4 stars; one submission).

Conditions:
PCSK1-related disorder. Also called: PCSK1-related condition.

gnomAD v4.1: 1 of 1,613,874 alleles (0.000062%); highest among the groups gnomAD compares: South Asian, 0.0011%; no homozygotes.

Submission:

PreventionGenetics, part of Exact Sciences
Classification: Uncertain significance for PCSK1-related condition. Last evaluated: 2025-10-13. Review status: criteria provided, single submitter. Criteria: ACMG Guidelines, 2015. Collection method: clinical testing. Allele origin: germline.
Comment: The PCSK1 c.2062T>C variant is predicted to result in the amino acid substitution p.Ser688Pro. To our knowledge, this variant has not been reported in the literature. This variant is reported in 0.0033% of alleles in individuals of South Asian descent in gnomAD. At this time, the clinical significance of this variant is uncertain due to the absence of conclusive functional and genetic evidence.